The following is an entry in ClinVar:

ClinVar aggregate classification (germline): Pathogenic (1 of 4 stars; one submission).

Conditions:
Charcot-Marie-Tooth disease type 2. Also called: Charcot-Marie-Tooth type 2. Identifiers: Orphanet 64746, MedGen C0270914, MONDO:0018993.

Submission:

Labcorp Genetics (formerly Invitae), Labcorp
Classification: Pathogenic for Charcot-Marie-Tooth disease type 2. Last evaluated: 2023-07-21. Review status: criteria provided, single submitter. Criteria: Invitae Variant Classification Sherloc (09022015). Collection method: clinical testing. Allele origin: germline.
Comment: This variant has not been reported in the literature in individuals affected with AARS-related conditions. ClinVar contains an entry for this variant (Variation ID: 1994762). Information on the frequency of this variant in the gnomAD database is not available, as this variant may be reported differently in the database. This sequence change creates a premature translational stop signal (p.Lys846_Gln847delinsAsn*) in the AARS gene. It is expected to result in an absent or disrupted protein product. Loss-of-function variants in AARS are known to be pathogenic (PMID: 25817015, 28493438, 34446925). For these reasons, this variant has been classified as Pathogenic.

Literature cited by the submitters: PubMed 25817015; PubMed 28493438; PubMed 34446925.

NM_001605.3(AARS1):c.2538_2539delinsTT (p.Lys846_Gln847delinsAsnTer)

Gene: AARS1 (alanyl-tRNA synthetase 1; minus strand). Cytogenetic location: 16q22.1.
Variant type: Indel.
Coding change: c.2538_2539delinsTT on transcript NM_001605.3 (MANE Select); coding-DNA positions 2538 to 2539, GC replaced by TT.
Protein change: p.Lys846_Gln847delinsAsnTer.
Molecular consequence: nonsense.
Genome position (GRCh38, 1-based): chr16:70,253,782-70,253,783, GC replaced by AA on the plus strand (GC replaced by TT on the coding strand, the reverse complement: AARS1 is on the minus strand). VCF-style: chr16-70253782-GC-AA. GRCh37 (hg19) VCF-style: chr16-70287685-GC-AA.
Identifiers: ClinVar variation 1994762 (VCV001994762.4), dbSNP rs2506989427, ClinGen allele CA2580091984.